The following is an entry in ClinVar:

Conditions:
Breast-ovarian cancer, familial, susceptibility to, 1 (BROVCA1). Also called: BRCA1 Hereditary Breast and Ovarian Cancer; OVARIAN CANCER, SUSCEPTIBILITY TO. Identifiers: Orphanet 145, MedGen C2676676, MONDO:0011450, OMIM 604370. Disease mechanism: loss of function.

Submission:

Brotman Baty Institute, University of Washington
No classification provided (evidence only). Condition: Breast-ovarian cancer, familial 1. Review status: no classification provided. Collection method: in vitro. Allele origin: not applicable. Functional consequence: functionally_abnormal.
ClinVar note: "not provided" was previously submitted as the classification for the variant. However, the classification appeared to be based only on an observation of functional data so it was converted to no classification on 2025-07-30.

NM_007294.4(BRCA1):c.4987-5T>G

Gene: BRCA1 (BRCA1 DNA repair associated; minus strand). Cytogenetic location: 17q21.31.
Variant type: single nucleotide variant.
Coding change: c.4987-5T>G on transcript NM_007294.4 (MANE Select); 5 bases into the intron before coding-DNA position 4987, T replaced by G.
Molecular consequence: intron variant.
Genome position (GRCh38, 1-based): chr17:43,067,700, A>C on the plus strand (T>G on the coding strand, the complement: BRCA1 is on the minus strand). VCF-style: chr17-43067700-A-C. GRCh37 (hg19) VCF-style: chr17-41219717-A-C.
Other names: c.1534-5T>G (NM_001408458.1, NM_001408461.1, NM_001408464.1 and 7 more transcripts); c.4096-5T>G (NM_001407967.1); c.4606-5T>G (NM_001407959.1); c.4720-5T>G (NM_001407931.1, NM_001407932.1, NM_001407928.1 and 4 more transcripts); c.4843-5T>G (NM_001407747.1, NM_001407745.1, NM_001407737.1 and 21 more transcripts); c.4603-5T>G (NM_001407962.1, NM_001407960.1); c.1174-5T>G (NM_001408512.1); c.1297-5T>G (NM_001408510.1); and 71 more.
Identifiers: ClinVar variation 868895 (VCV000868895.3), dbSNP rs397509214, ClinGen allele CA916080168.